The following is an entry in ClinVar:

NM_015978.3(TNNI3K):c.263T>C (p.Met88Thr)

Genes: TNNI3K (TNNI3 interacting kinase; plus strand), FPGT-TNNI3K (FPGT-TNNI3K readthrough; plus strand). Cytogenetic location: 1p31.1.
Variant type: single nucleotide variant.
Coding change: c.263T>C on transcript NM_015978.3 (MANE Select); coding-DNA position 263, T replaced by C.
Protein change: p.Met88Thr; replaces methionine 88 with threonine.
Molecular consequence: missense variant.
Genome position (GRCh38, 1-based): chr1:74,250,699, T>C. VCF-style: chr1-74250699-T-C. GRCh37 (hg19) VCF-style: chr1-74716383-T-C.
Other names: c.566T>C, p.Met189Thr (NM_001112808.3, NM_001199327.2); short protein forms M88T, M189T.
Identifiers: ClinVar variation 4701130 (VCV004701130.1).
Genomic context (GRCh38, chr1:74,250,699, plus strand): 5'-ATGATTTAGCCTTTTTTCATTTTTCTCTTTAAGGCAAGAAATCACATATTCGAACTCTTA[T>C]GTTGAAAGGGCTCCGCCCATCTCGACTGACAAGAAATGGATTTACAGCCTTGCATTTAGC-3'
Protein context (NP_057062.1, residues 78-98): GGKKSHIRTL[Met88Thr]LKGLRPSRLT

ClinVar aggregate classification (germline): Uncertain significance (1 of 4 stars; one submission).

gnomAD v4.1: 40 of 1,612,308 alleles (0.0025%); highest among the groups gnomAD compares: Non-Finnish European, 0.0031%; no homozygotes.

Submission:

Labcorp Genetics (formerly Invitae), Labcorp
Classification: Uncertain significance. Last evaluated: 2025-04-23. Review status: criteria provided, single submitter. Criteria: Invitae Variant Classification Sherloc (09022015). Collection method: clinical testing. Allele origin: germline.
Comment: This sequence change replaces methionine, which is neutral and non-polar, with threonine, which is neutral and polar, at codon 88 of the TNNI3K protein (p.Met88Thr). This variant is present in population databases (rs201074684, gnomAD 0.006%). This variant has not been reported in the literature in individuals affected with TNNI3K-related conditions. Invitae Evidence Modeling of protein sequence and biophysical properties (such as structural, functional, and spatial information, amino acid conservation, physicochemical variation, residue mobility, and thermodynamic stability) indicates that this missense variant is not expected to disrupt TNNI3K protein function with a negative predictive value of 80%. In summary, the available evidence is currently insufficient to determine the role of this variant in disease. Therefore, it has been classified as a Variant of Uncertain Significance.